The following is an entry in ClinVar:

ClinVar aggregate classification (germline): Uncertain significance. Review status: criteria provided, multiple submitters, no conflicts (2 of 4 stars). 2 submissions from 2 submitters: Uncertain significance (2). Last evaluated 2025-02-07.

Conditions:
Severe combined immunodeficiency due to CORO1A deficiency. Also called: IMMUNODEFICIENCY 8 WITH LYMPHOPROLIFERATION; Immunodeficiency 8. Identifiers: Orphanet 228003, MedGen C3809383, MONDO:0014168, OMIM 615401.

gnomAD v4.1: 8 of 1,612,504 alleles (0.0005%); highest among the groups gnomAD compares: Non-Finnish European, 0.00059%; no homozygotes.

Submissions (2):

Mayo Clinic Laboratories, Mayo Clinic
Classification: Uncertain significance. Last evaluated: 2025-02-07. Review status: criteria provided, single submitter. Criteria: ACMG Guidelines, 2015. Collection method: clinical testing. Allele origin: germline. Observed: 1 variant allele.
Comment: BP4, PM2_supporting

Labcorp Genetics (formerly Invitae), Labcorp
Classification: Uncertain significance for Severe combined immunodeficiency due to CORO1A deficiency. Last evaluated: 2025-01-18. Review status: criteria provided, single submitter. Criteria: Invitae Variant Classification Sherloc (09022015). Collection method: clinical testing. Allele origin: germline.
Comment: This sequence change replaces threonine, which is neutral and polar, with alanine, which is neutral and non-polar, at codon 209 of the CORO1A protein (p.Thr209Ala). This variant is present in population databases (no rsID available, gnomAD 0.0009%). This variant has not been reported in the literature in individuals affected with CORO1A-related conditions. Invitae Evidence Modeling of protein sequence and biophysical properties (such as structural, functional, and spatial information, amino acid conservation, physicochemical variation, residue mobility, and thermodynamic stability) indicates that this missense variant is not expected to disrupt CORO1A protein function with a negative predictive value of 80%. In summary, the available evidence is currently insufficient to determine the role of this variant in disease. Therefore, it has been classified as a Variant of Uncertain Significance.

NM_007074.4(CORO1A):c.625A>G (p.Thr209Ala)

Genes: CORO1A (coronin 1A; plus strand), LOC121587541 (Sharpr-MPRA regulatory region 7413; plus strand). Cytogenetic location: 16p11.2.
Variant type: single nucleotide variant.
Coding change: c.625A>G on transcript NM_007074.4 (MANE Select); coding-DNA position 625, A replaced by G.
Protein change: p.Thr209Ala; replaces threonine 209 with alanine.
Molecular consequence: missense variant.
Genome position (GRCh38, 1-based): chr16:30,187,212, A>G. VCF-style: chr16-30187212-A-G. GRCh37 (hg19) VCF-style: chr16-30198533-A-G.
Other names: p.Thr209Ala; c.625A>G (NM_007074.3); c.625A>G, p.Thr209Ala (NM_001193333.3); short protein forms T209A.
Identifiers: ClinVar variation 3716873 (VCV003716873.2).
Genomic context (GRCh38, chr16:30,187,212, plus strand): 5'-GGCCTCATTTGTACCTCCTGCCGTGACAAGCGCGTGCGCATCATCGAGCCCCGCAAAGGC[A>G]CTGTCGTAGCTGTGAGTCGCCATCTACCCTGACCTTTGACCCTACAGCCTTTATCCTTCT-3'
Protein context (NP_009005.1, residues 199-219): RVRIIEPRKG[Thr209Ala]VVAEKDRPHE